The following is an entry in ClinVar:

NM_000443.4(ABCB4):c.3431T>C (p.Ile1144Thr)

Gene: ABCB4 (ATP binding cassette subfamily B member 4; minus strand). Cytogenetic location: 7q21.12.
Variant type: single nucleotide variant.
Coding change: c.3431T>C on transcript NM_000443.4 (MANE Select); coding-DNA position 3431, T replaced by C.
Protein change: p.Ile1144Thr; replaces isoleucine 1144 with threonine.
Molecular consequence: missense variant.
Genome position (GRCh38, 1-based): chr7:87,406,343, A>G on the plus strand (T>C on the coding strand, the complement: ABCB4 is on the minus strand). VCF-style: chr7-87406343-A-G. GRCh37 (hg19) VCF-style: chr7-87035659-A-G.
Other names: c.3431T>C (NM_000443.3); c.3452T>C, p.Ile1151Thr (NM_018849.3); c.3290T>C, p.Ile1097Thr (NM_018850.3); short protein forms I1151T, I1144T, I1097T.
Identifiers: ClinVar variation 597133 (VCV000597133.7), dbSNP rs372427470, ClinGen allele CA4326770.

ClinVar aggregate classification (germline): Uncertain significance. Review status: criteria provided, multiple submitters, no conflicts (2 of 4 stars). 3 submissions from 3 submitters: Uncertain significance (3). Last evaluated 2026-04-14.

Conditions:
ABCB4-related disorder. Also called: ABCB4-related disorders; ABCB4-related condition.
Familial intrahepatic cholestasis. Identifiers: Orphanet 284385, MedGen CN296401, MONDO:0017290.

Allele frequency attached by ClinVar (database versions not stated): gnomAD 0.00001; gnomAD exomes 0.00001 and 0.00002; ExAC 0.00002; TOPMed 0.00002; ESP Exome Variant Server 0.00008.
gnomAD v4.1: 11 of 1,613,950 alleles (0.00068%); highest among the groups gnomAD compares: Admixed American, 0.0017%; no homozygotes.

Submissions (3):

Genomenon, Inc
Classification: Uncertain significance for Familial intrahepatic cholestasis. Last evaluated: 2026-04-14. Review status: criteria provided, single submitter. Criteria: Genomenon Sequence Variant Interpretation Standards - Updated. Collection method: curation. Allele origin: germline. Affected: yes.
Comment: ABCB4 p.Ile1144Thr (c.3431T>C) is a missense variant that changes the amino acid at residue 1144 from Isoleucine to Threonine. This variant has been observed in at least one proband with an ABCB4-related disorder (PMID:33256620). It is absent or not present at a significant frequency in gnomAD. In silico models predict that this variant is possibly or probably damaging. In conclusion, we classify ABCB4 p.Ile1144Thr (c.3431T>C) as a variant of uncertain significance.

PreventionGenetics, part of Exact Sciences
Classification: Uncertain significance for ABCB4-related condition. Last evaluated: 2026-04-01. Review status: criteria provided, single submitter. Criteria: ACMG Guidelines, 2015. Collection method: clinical testing. Allele origin: germline.
Comment: The ABCB4 c.3431T>C variant is predicted to result in the amino acid substitution p.Ile1144Thr. This variant has been reported, in the compound heterozygous state with another ABCB4 variant, in an individual with progressive familial intrahepatic cholestasis post liver transplantation (Goubran et al. 2020. PubMed ID: 33256620). This variant is reported in 0.012% of alleles in individuals of African descent in gnomAD. At this time, the clinical significance of this variant is uncertain due to the absence of conclusive functional and genetic evidence.

Eurofins Ntd Llc (ga)
Classification: Uncertain significance. Last evaluated: 2018-05-08. Review status: criteria provided, single submitter. Criteria: EGL ClinVar v180209 classification definitions. Collection method: clinical testing. Allele origin: germline. Observed: 1 variant allele, 1 heterozygote.

Literature cited by the submitters: PubMed 33256620 (cited by Genomenon, Inc).